The following is an entry in ClinVar:

NM_004519.4(KCNQ3):c.1444G>A (p.Ala482Thr)

Gene: KCNQ3 (potassium voltage-gated channel subfamily Q member 3; minus strand). Cytogenetic location: 8q24.22.
Variant type: single nucleotide variant.
Coding change: c.1444G>A on transcript NM_004519.4 (MANE Select); coding-DNA position 1444, G replaced by A.
Protein change: p.Ala482Thr; replaces alanine 482 with threonine.
Molecular consequence: missense variant.
Genome position (GRCh38, 1-based): chr8:132,141,150, C>T on the plus strand (G>A on the coding strand, the complement: KCNQ3 is on the minus strand). VCF-style: chr8-132141150-C-T. GRCh37 (hg19) VCF-style: chr8-133153397-C-T.
Other names: c.1084G>A, p.Ala362Thr (NM_001204824.2); short protein forms A362T, A482T.
Identifiers: ClinVar variation 3705489 (VCV003705489.2).

ClinVar aggregate classification (germline): Uncertain significance (1 of 4 stars; one submission).

Conditions:
Benign neonatal seizures. Also called: Benign familial neonatal seizures; Convulsions benign familial neonatal dominant form; Autosomal dominant form of benign neonatal seizures; Benign familial neonatal epilepsy; Benign neonatal familial convulsions. Identifiers: Orphanet 1949, MedGen C0220669, MONDO:0016027.

Submission:

Labcorp Genetics (formerly Invitae), Labcorp
Classification: Uncertain significance for Benign neonatal seizures. Last evaluated: 2024-06-18. Review status: criteria provided, single submitter. Criteria: Invitae Variant Classification Sherloc (09022015). Collection method: clinical testing. Allele origin: germline.
Comment: This sequence change replaces alanine, which is neutral and non-polar, with threonine, which is neutral and polar, at codon 482 of the KCNQ3 protein (p.Ala482Thr). This variant is present in population databases (rs753147742, gnomAD 0.003%). This variant has not been reported in the literature in individuals affected with KCNQ3-related conditions. Advanced modeling of protein sequence and biophysical properties (such as structural, functional, and spatial information, amino acid conservation, physicochemical variation, residue mobility, and thermodynamic stability) performed at Invitae indicates that this missense variant is not expected to disrupt KCNQ3 protein function with a negative predictive value of 95%. In summary, the available evidence is currently insufficient to determine the role of this variant in disease. Therefore, it has been classified as a Variant of Uncertain Significance.